The following is an entry in ClinVar:

NM_004630.4(SF1):c.31+28del

Gene: SF1 (splicing factor 1; minus strand). Cytogenetic location: 11q13.1.
Variant type: Deletion.
Coding change: c.31+28del on transcript NM_004630.4 (MANE Select); 28 bases into the intron after coding-DNA position 31, one base deleted (C; older notation c.31+28delC).
Molecular consequence: intron variant. On other transcripts: frameshift variant (5).
Genome position (GRCh38, 1-based): chr11:64,778,334, G deleted on the plus strand (C on the coding strand, the reverse complement: SF1 is on the minus strand); the first of 5 consecutive G bases (chr11:64,778,334-64,778,338); deleting any one gives the same sequence. VCF-style (leftmost placement, unchanged base first): chr11-64778333-CG-C. GRCh37 (hg19) VCF-style: chr11-64545805-CG-C.
Other names: c.59del, p.Pro20fs (NM_001178030.2, NM_001378956.1, NM_001378957.1 and 2 more transcripts); c.-239+28del (NM_001346409.2, NM_001346410.2); c.31+28del (NM_001346364.2, NM_001440583.1, NM_001346363.2 and 4 more transcripts); c.-208+28del (NM_001440585.1, NM_001440584.1); short protein forms P20fs.
Identifiers: ClinVar variation 4975368 (VCV004975368.1).

ClinVar aggregate classification (germline): Uncertain significance (1 of 4 stars; one submission).

Submission:

GeneDx
Classification: Uncertain significance. Last evaluated: 2026-01-21. Review status: criteria provided, single submitter. Criteria: GeneDx Variant Classification Process June 2021. Collection method: clinical testing. Allele origin: germline.
Comment: Not observed at significant frequency in large population cohorts (gnomAD); Frameshift variant predicted to result in protein truncation or nonsense mediated decay in a gene for which loss-of-function is not an established mechanism of disease; Reported using an alternate transcript of the gene; Has not been previously published as pathogenic or benign to our knowledge